The following is an entry in ClinVar:

ClinVar aggregate classification (germline): Pathogenic (1 of 4 stars; one submission).

Conditions:
LAMA2-related muscular dystrophy (LAMA2-RD). Also called: Laminin alpha 2-related dystrophy. Identifiers: MedGen C5679788, MONDO:0100228.

Submission:

Myriad Genetics, Inc.
Classification: Pathogenic for LAMA2-related muscular dystrophy. Last evaluated: 2024-08-02. Review status: criteria provided, single submitter. Criteria: Myriad Autosomal Dominant, Autosomal Recessive and X-Linked Classification Criteria (2023). Collection method: clinical testing. Allele origin: unknown.
Comment: NM_000426.3(LAMA2):c.5278G>T(E1760*) is expected to be pathogenic in the context of muscular dystrophy, LAMA2-related. This variant is predicted to lead to an abnormal or absent protein product due to the creation of a premature termination codon in LAMA2, a gene where loss-of-function variants are known to be pathogenic. Please note: this variant was assessed in the context of healthy population screening.

NM_000426.4(LAMA2):c.5278G>T (p.Glu1760Ter)

Gene: LAMA2 (laminin subunit alpha 2; plus strand). Cytogenetic location: 6q22.33.
Variant type: single nucleotide variant.
Coding change: c.5278G>T on transcript NM_000426.4 (MANE Select); coding-DNA position 5278, G replaced by T.
Protein change: p.Glu1760Ter; replaces glutamic acid 1760 with a stop codon.
Molecular consequence: nonsense.
Genome position (GRCh38, 1-based): chr6:129,393,088, G>T. VCF-style: chr6-129393088-G-T. GRCh37 (hg19) VCF-style: chr6-129714233-G-T.
Other names: c.5278G>T, p.Glu1760Ter (NM_001079823.2); short protein forms E1760*.
Identifiers: ClinVar variation 5013402 (VCV005013402.1).
Genomic context (GRCh38, chr6:129,393,088, plus strand): 5'-GCTGGGGGTGGTTACAGAGCTGCAGAAGCCCTTCTGAAAAAAGTGAAGAAGCTGTTTGGA[G>T]AGTCCCGGGGGGAAAATGAAGAAATGGAGAAGGATCTCCGGGAAAAACTGGCTGACTACA-3'